The following is an entry in ClinVar:

ClinVar aggregate classification (germline): Benign/Likely benign. Review status: criteria provided, multiple submitters, no conflicts (2 of 4 stars). 3 submissions from 3 submitters: Benign (2); Likely benign (1). Last evaluated 2022-11-01.

Allele frequency attached by ClinVar (database versions not stated): gnomAD 0.00135 and 0.00155; 1000 Genomes Project 0.00140; TOPMed 0.00142; ESP Exome Variant Server 0.00146; 1000 Genomes Project 30x 0.00156; gnomAD exomes 0.00159 and 0.00202; ExAC 0.00216.
gnomAD v4.1: 2,577 of 1,611,128 alleles (0.16%); highest among the groups gnomAD compares: Middle Eastern, 0.96%; 13 homozygotes.

Submissions (3):

CeGaT Center for Human Genetics Tuebingen
Classification: Likely benign. Last evaluated: 2022-11-01. Review status: criteria provided, single submitter. Criteria: CeGaT Center For Human Genetics Tuebingen Variant Classification Criteria Version 2. Collection method: clinical testing. Allele origin: germline. Affected: yes. Observed: 5 variant alleles.
Comment: AHNAK: BP4, BP7

Labcorp Genetics (formerly Invitae), Labcorp
Classification: Benign. Last evaluated: 2018-07-03. Review status: criteria provided, single submitter. Criteria: Invitae Variant Classification Sherloc (09022015). Collection method: clinical testing. Allele origin: germline.

Breakthrough Genomics
Classification: Benign. Review status: criteria provided, single submitter. Criteria: ACMG Guidelines, 2015. Collection method: not provided. Allele origin: germline. Inheritance: Unknown mechanism. Affected: yes.

NM_001620.3(AHNAK):c.10764C>T (p.Ala3588=)

Gene: AHNAK (AHNAK nucleoprotein; minus strand). Cytogenetic location: 11q12.3.
Variant type: single nucleotide variant.
Coding change: c.10764C>T on transcript NM_001620.3 (MANE Select); coding-DNA position 10764, C replaced by T.
Protein change: p.Ala3588=; no amino-acid change (alanine 3588 retained).
Molecular consequence: synonymous variant. On other transcripts: intron variant (1).
Genome position (GRCh38, 1-based): chr11:62,523,653, G>A on the plus strand (C>T on the coding strand, the complement: AHNAK is on the minus strand). VCF-style: chr11-62523653-G-A. GRCh37 (hg19) VCF-style: chr11-62291125-G-A.
Other names: c.10764C>T, p.Ala3588= (NM_001346445.2, NM_001346446.2); c.342+11350C>T (NM_024060.4).
Identifiers: ClinVar variation 774324 (VCV000774324.28), dbSNP rs140469618, ClinGen allele CA6044904.